The following is an entry in ClinVar:

NM_001282534.2(KCNK9):c.766C>T (p.Arg256Trp)

Gene: KCNK9 (potassium two pore domain channel subfamily K member 9; minus strand). Cytogenetic location: 8q24.3.
Variant type: single nucleotide variant.
Coding change: c.766C>T on transcript NM_001282534.2 (MANE Select); coding-DNA position 766, C replaced by T.
Protein change: p.Arg256Trp; replaces arginine 256 with tryptophan.
Molecular consequence: missense variant. On other transcripts: non-coding transcript variant (1).
Genome position (GRCh38, 1-based): chr8:139,618,617, G>A on the plus strand (C>T on the coding strand, the complement: KCNK9 is on the minus strand). VCF-style: chr8-139618617-G-A. GRCh37 (hg19) VCF-style: chr8-140630860-G-A.
Other names: short protein forms R256W.
Identifiers: ClinVar variation 3602158 (VCV003602158.1).

ClinVar aggregate classification (germline): Uncertain significance (1 of 4 stars; one submission).

Submission:

GeneDx
Classification: Uncertain significance. Last evaluated: 2024-08-02. Review status: criteria provided, single submitter. Criteria: GeneDx Variant Classification Process June 2021. Collection method: clinical testing. Allele origin: germline. Affected: yes.
Comment: Not observed at significant frequency in large population cohorts (gnomAD); In silico analysis supports that this missense variant has a deleterious effect on protein structure/function; Has not been previously published as pathogenic or benign to our knowledge